The following is an entry in ClinVar:

ClinVar aggregate classification (germline): Conflicting classifications of pathogenicity. Review status: criteria provided, conflicting classifications (1 of 4 stars). 4 submissions from 3 submitters: Uncertain significance (3); Likely benign (1). Last evaluated 2023-08-04.

Conditions:
Hypercholesterolemia, autosomal dominant, type B (FHCL2). Also called: Familial hypercholesterolemia 2; Familial Hypercholesterolemia Type B; APOLIPOPROTEIN B-100, FAMILIAL DEFECTIVE; APOLIPOPROTEIN B-100, FAMILIAL LIGAND-DEFECTIVE; HYPERCHOLESTEROLEMIA, FAMILIAL, DUE TO LIGAND-DEFECTIVE APOLIPOPROTEIN B; APOB-Related Familial Hypercholesterolemia, Autosomal Dominant. Identifiers: MedGen C1704417, MONDO:0007751, OMIM 144010.
Familial hypobetalipoproteinemia 1. Also called: Hypobetalipoproteinemia, normotriglyceridemic; Acanthocytosis with hypobetalipoproteinemia; APOB-Related Familial Hypobetalipoproteinemia. Identifiers: MedGen C4551990, MONDO:0014252, OMIM 615558.
Cardiovascular phenotype. Identifiers: MedGen CN230736.

Allele frequency attached by ClinVar (database versions not stated): ExAC 0.00001; gnomAD exomes 0.00001.
gnomAD v4.1: 3 of 1,614,122 alleles (0.00019%); highest among the groups gnomAD compares: Admixed American, 0.005%; no homozygotes.

Submissions (4):

Labcorp Genetics (formerly Invitae), Labcorp
Classification: Likely benign for Familial hypobetalipoproteinemia 1; Hypercholesterolemia, autosomal dominant, type B. Last evaluated: 2023-08-04. Review status: criteria provided, single submitter. Criteria: Invitae Variant Classification Sherloc (09022015). Collection method: clinical testing. Allele origin: germline.

Ambry Genetics
Classification: Uncertain significance for Cardiovascular phenotype. Last evaluated: 2022-09-08. Review status: criteria provided, single submitter. Criteria: Ambry Variant Classification Scheme 2023. Collection method: clinical testing. Allele origin: germline.
Comment: The p.I3068V variant (also known as c.9202A>G), located in coding exon 26 of the APOB gene, results from an A to G substitution at nucleotide position 9202. The isoleucine at codon 3068 is replaced by valine, an amino acid with highly similar properties. This amino acid position is conserved. In addition, this alteration is predicted to be tolerated by in silico analysis. Since supporting evidence is limited at this time, the clinical significance of this alteration remains unclear.

Illumina Laboratory Services, Illumina
Classification: Uncertain significance for Familial hypobetalipoproteinemia 1. Last evaluated: 2018-01-13. Review status: criteria provided, single submitter. Criteria: ICSL Variant Classification Criteria 13 December 2019. Collection method: clinical testing. Allele origin: germline.

Illumina Laboratory Services, Illumina
Classification: Uncertain significance for Hypercholesterolemia, autosomal dominant, type B. Last evaluated: 2018-01-13. Review status: criteria provided, single submitter. Criteria: ICSL Variant Classification Criteria 13 December 2019. Collection method: clinical testing. Allele origin: germline.

NM_000384.3(APOB):c.9202A>G (p.Ile3068Val)

Gene: APOB (apolipoprotein B; minus strand). Cytogenetic location: 2p24.1.
Variant type: single nucleotide variant.
Coding change: c.9202A>G on transcript NM_000384.3 (MANE Select); coding-DNA position 9202, A replaced by G.
Protein change: p.Ile3068Val; replaces isoleucine 3068 with valine.
Molecular consequence: missense variant.
Genome position (GRCh38, 1-based): chr2:21,007,666, T>C on the plus strand (A>G on the coding strand, the complement: APOB is on the minus strand). VCF-style: chr2-21007666-T-C. GRCh37 (hg19) VCF-style: chr2-21230538-T-C.
Other names: short protein forms I3068V.
Identifiers: ClinVar variation 334115 (VCV000334115.11), dbSNP rs778492524, ClinGen allele CA066366.